The following is an entry in ClinVar:

NM_001376.5(DYNC1H1):c.5626C>G (p.Gln1876Glu)

Gene: DYNC1H1 (dynein cytoplasmic 1 heavy chain 1; plus strand). Cytogenetic location: 14q32.31.
Variant type: single nucleotide variant.
Coding change: c.5626C>G on transcript NM_001376.5 (MANE Select); coding-DNA position 5626, C replaced by G.
Protein change: p.Gln1876Glu; replaces glutamine 1876 with glutamic acid.
Molecular consequence: missense variant.
Genome position (GRCh38, 1-based): chr14:102,006,080, C>G. VCF-style: chr14-102006080-C-G. GRCh37 (hg19) VCF-style: chr14-102472417-C-G.
Other names: short protein forms Q1876E.
Identifiers: ClinVar variation 3014032 (VCV003014032.3), dbSNP rs2503742038, ClinGen allele CA391048899.

ClinVar aggregate classification (germline): Uncertain significance (1 of 4 stars; one submission).

Conditions:
Charcot-Marie-Tooth disease axonal type 2O. Also called: CHARCOT-MARIE-TOOTH NEUROPATHY, AXONAL, TYPE 2O; CHARCOT-MARIE-TOOTH DISEASE, AXONAL, AUTOSOMAL DOMINANT, TYPE 2O; Charcot-Marie-Tooth Neuropathy Type 2O; Charcot-Marie-Tooth disease, axonal, type 20. Identifiers: Orphanet 284232, MedGen C3280220, MONDO:0013644, OMIM 614228.

Submission:

Labcorp Genetics (formerly Invitae), Labcorp
Classification: Uncertain significance for Charcot-Marie-Tooth disease axonal type 2O. Last evaluated: 2023-08-24. Review status: criteria provided, single submitter. Criteria: Invitae Variant Classification Sherloc (09022015). Collection method: clinical testing. Allele origin: germline.
Comment: In summary, the available evidence is currently insufficient to determine the role of this variant in disease. Therefore, it has been classified as a Variant of Uncertain Significance. Advanced modeling of protein sequence and biophysical properties (such as structural, functional, and spatial information, amino acid conservation, physicochemical variation, residue mobility, and thermodynamic stability) performed at Invitae indicates that this missense variant is not expected to disrupt DYNC1H1 protein function. This variant has not been reported in the literature in individuals affected with DYNC1H1-related conditions. This variant is not present in population databases (gnomAD no frequency). This sequence change replaces glutamine, which is neutral and polar, with glutamic acid, which is acidic and polar, at codon 1876 of the DYNC1H1 protein (p.Gln1876Glu).